The following is an entry in ClinVar:

ClinVar aggregate classification (germline): Uncertain significance. Review status: criteria provided, multiple submitters, no conflicts (2 of 4 stars). 2 submissions from 2 submitters: Uncertain significance (2). Last evaluated 2025-06-12.

Conditions:
INPP5E-related disorder. Also called: INPP5E-related condition.
Joubert syndrome. Also called: JOUBERT-BOLTSHAUSER SYNDROME; Familial aplasia of the vermis. Identifiers: Orphanet 475, MedGen C5979921, MONDO:0018772.

Allele frequency attached by ClinVar (database versions not stated): ExAC 0.00002; gnomAD 0.00002; TOPMed 0.00002; ESP Exome Variant Server 0.00008.
gnomAD v4.1: 3 of 1,612,862 alleles (0.00019%); highest among the groups gnomAD compares: African/African-American, 0.004%; no homozygotes.

Submissions (2):

Labcorp Genetics (formerly Invitae), Labcorp
Classification: Uncertain significance for Joubert syndrome. Last evaluated: 2025-06-12. Review status: criteria provided, single submitter. Criteria: Invitae Variant Classification Sherloc (09022015). Collection method: clinical testing. Allele origin: germline.
Comment: This sequence change replaces glycine, which is neutral and non-polar, with aspartic acid, which is acidic and polar, at codon 607 of the INPP5E protein (p.Gly607Asp). This variant is present in population databases (rs375144690, gnomAD 0.01%). This variant has not been reported in the literature in individuals affected with INPP5E-related conditions. ClinVar contains an entry for this variant (Variation ID: 2193784). Invitae Evidence Modeling of protein sequence and biophysical properties (such as structural, functional, and spatial information, amino acid conservation, physicochemical variation, residue mobility, and thermodynamic stability) indicates that this missense variant is expected to disrupt INPP5E protein function with a positive predictive value of 95%. In summary, the available evidence is currently insufficient to determine the role of this variant in disease. Therefore, it has been classified as a Variant of Uncertain Significance.

PreventionGenetics, part of Exact Sciences
Classification: Uncertain significance for INPP5E-related condition. Last evaluated: 2025-04-07. Review status: criteria provided, single submitter. Criteria: ACMG Guidelines, 2015. Collection method: clinical testing. Allele origin: germline.
Comment: The INPP5E c.1820G>A variant is predicted to result in the amino acid substitution p.Gly607Asp. To our knowledge, this variant has not been reported in the literature. This variant is reported in 0.012% of alleles in individuals of African descent in gnomAD. At this time, the clinical significance of this variant is uncertain due to the absence of conclusive functional and genetic evidence.

NM_019892.6(INPP5E):c.1820G>A (p.Gly607Asp)

Gene: INPP5E (inositol polyphosphate-5-phosphatase E; minus strand). Cytogenetic location: 9q34.3.
Variant type: single nucleotide variant.
Coding change: c.1820G>A on transcript NM_019892.6 (MANE Select); coding-DNA position 1820, G replaced by A.
Protein change: p.Gly607Asp; replaces glycine 607 with aspartic acid.
Molecular consequence: missense variant.
Genome position (GRCh38, 1-based): chr9:136,429,790, C>T on the plus strand (G>A on the coding strand, the complement: INPP5E is on the minus strand). VCF-style: chr9-136429790-C-T. GRCh37 (hg19) VCF-style: chr9-139324242-C-T.
Other names: c.1817G>A, p.Gly606Asp (NM_001318502.2); c.1820G>A (NM_019892.5); short protein forms G606D, G607D.
Identifiers: ClinVar variation 2193784 (VCV002193784.5), dbSNP rs375144690, ClinGen allele CA5336636.